The following is an entry in ClinVar:

NM_000391.4(TPP1):c.1228G>T (p.Gly410Cys)

Gene: TPP1 (tripeptidyl peptidase 1; minus strand). Cytogenetic location: 11p15.4.
Variant type: single nucleotide variant.
Coding change: c.1228G>T on transcript NM_000391.4 (MANE Select); coding-DNA position 1228, G replaced by T.
Protein change: p.Gly410Cys; replaces glycine 410 with cysteine.
Molecular consequence: missense variant.
Genome position (GRCh38, 1-based): chr11:6,615,480, C>A on the plus strand (G>T on the coding strand, the complement: TPP1 is on the minus strand). VCF-style: chr11-6615480-C-A. GRCh37 (hg19) VCF-style: chr11-6636711-C-A.
Other names: short protein forms G410C.
Identifiers: ClinVar variation 2012692 (VCV002012692.2), dbSNP rs1239937973, ClinGen allele CA379472934.

ClinVar aggregate classification (germline): Uncertain significance (1 of 4 stars; one submission).

Submission:

Labcorp Genetics (formerly Invitae), Labcorp
Classification: Uncertain significance. Last evaluated: 2022-07-15. Review status: criteria provided, single submitter. Criteria: Invitae Variant Classification Sherloc (09022015). Collection method: clinical testing. Allele origin: germline.
Comment: In summary, the available evidence is currently insufficient to determine the role of this variant in disease. Therefore, it has been classified as a Variant of Uncertain Significance. Advanced modeling of protein sequence and biophysical properties (such as structural, functional, and spatial information, amino acid conservation, physicochemical variation, residue mobility, and thermodynamic stability) performed at Invitae indicates that this missense variant is expected to disrupt TPP1 protein function. This variant has not been reported in the literature in individuals affected with TPP1-related conditions. This variant is not present in population databases (gnomAD no frequency). This sequence change replaces glycine, which is neutral and non-polar, with cysteine, which is neutral and slightly polar, at codon 410 of the TPP1 protein (p.Gly410Cys).